The following is an entry in ClinVar:

NM_001128425.2(MUTYH):c.191C>T (p.Ala64Val)

Gene: MUTYH (mutY DNA glycosylase; minus strand). Cytogenetic location: 1p34.1.
Variant type: single nucleotide variant.
Coding change: c.191C>T on transcript NM_001128425.2 (MANE Plus Clinical); coding-DNA position 191, C replaced by T.
Protein change: p.Ala64Val; replaces alanine 64 with valine.
Molecular consequence: missense variant. On other transcripts: intron variant (10).
Genome position (GRCh38, 1-based): chr1:45,333,570, G>A on the plus strand (C>T on the coding strand, the complement: MUTYH is on the minus strand). VCF-style: chr1-45333570-G-A. GRCh37 (hg19) VCF-style: chr1-45799242-G-A.
Other names: c.140C>T, p.Ala47Val (NM_001293191.2); c.182C>T, p.Ala61Val (NM_012222.3); c.-92-73C>T (NM_001350651.2); c.-97-73C>T (NM_001293192.2, NM_001293196.2); c.-156-9C>T (NM_001350650.2); c.116-9C>T (NM_001048171.2, NM_001048173.2, NM_001048174.2 and 1 more transcripts); c.158-6C>T (NM_001293190.2); c.116-6C>T (NM_001048172.2); short protein forms A64V, A61V, A47V.
Identifiers: ClinVar variation 820341 (VCV000820341.6), dbSNP rs1570446268, ClinGen allele CA340136756.
Genomic context (GRCh38, chr1:45,333,570, plus strand): 5'-TATGAGGAGACAGAGGCCTGCAATACCACCTCTTCCGGCTGCCTGGCCAGGCCTGCTGGG[G>A]CCCCAGGACACTCAGCAATCATCCCTGCACAGGCTGTGCATCAGGGTCTTGGGACACAGC-3'
Protein context (NP_001121897.1, residues 54-74): CAGMIAECPG[Ala64Val]PAGLARQPEE

ClinVar aggregate classification (germline): Uncertain significance. Review status: criteria provided, multiple submitters, no conflicts (2 of 4 stars). 2 submissions from 2 submitters: Uncertain significance (2). Last evaluated 2024-12-18.

Conditions:
Familial adenomatous polyposis 2. Also called: FAP type 2; MUTYH Polyposis; COLORECTAL ADENOMATOUS POLYPOSIS, AUTOSOMAL RECESSIVE; ADENOMAS, MULTIPLE COLORECTAL, AUTOSOMAL RECESSIVE; MUTYH-associated polyposis; MUTYH-related attenuated familial adenomatous polyposis. Identifiers: Orphanet 220460, Orphanet 247798, MedGen C3272841, MONDO:0012041, OMIM 608456.
Hereditary cancer-predisposing syndrome. Also called: Tumor predisposition; Hereditary Cancer Syndrome; Hereditary neoplastic syndrome; Neoplastic Syndromes, Hereditary. Identifiers: Orphanet 140162, MedGen C0027672, MeSH D009386, MONDO:0015356.

gnomAD v4.1: 1 of 1,612,980 alleles (0.000062%); no homozygotes.

Submissions (2):

Labcorp Genetics (formerly Invitae), Labcorp
Classification: Uncertain significance for Familial adenomatous polyposis 2. Last evaluated: 2024-12-18. Review status: criteria provided, single submitter. Criteria: Invitae Variant Classification Sherloc (09022015). Collection method: clinical testing. Allele origin: germline.
Comment: This sequence change replaces alanine, which is neutral and non-polar, with valine, which is neutral and non-polar, at codon 64 of the MUTYH protein (p.Ala64Val). This variant is not present in population databases (gnomAD no frequency). This variant has not been reported in the literature in individuals affected with MUTYH-related conditions. ClinVar contains an entry for this variant (Variation ID: 820341). An algorithm developed to predict the effect of missense changes on protein structure and function outputs the following: PolyPhen-2: "Benign". The valine amino acid residue is found in multiple mammalian species, which suggests that this missense change does not adversely affect protein function. In summary, the available evidence is currently insufficient to determine the role of this variant in disease. Therefore, it has been classified as a Variant of Uncertain Significance.

Ambry Genetics
Classification: Uncertain significance for Hereditary cancer-predisposing syndrome. Last evaluated: 2019-01-08. Review status: criteria provided, single submitter. Criteria: Ambry Variant Classification Scheme 2023. Collection method: clinical testing. Allele origin: germline.
Comment: The p.A64V variant (also known as c.191C>T), located in coding exon 3 of the MUTYH gene, results from a C to T substitution at nucleotide position 191. The alanine at codon 64 is replaced by valine, an amino acid with similar properties. This amino acid position is not well conserved in available vertebrate species. In addition, this alteration is predicted to be tolerated by in silico analysis. Since supporting evidence is limited at this time, the clinical significance of this alteration remains unclear.